The following is an entry in ClinVar:

NM_000466.3(PEX1):c.535C>T (p.Pro179Ser)

Gene: PEX1 (peroxisomal biogenesis factor 1; minus strand). Cytogenetic location: 7q21.2.
Variant type: single nucleotide variant.
Coding change: c.535C>T on transcript NM_000466.3 (MANE Select); coding-DNA position 535, C replaced by T.
Protein change: p.Pro179Ser; replaces proline 179 with serine.
Molecular consequence: missense variant. On other transcripts: 5 prime UTR variant (1).
Genome position (GRCh38, 1-based): chr7:92,517,980, G>A on the plus strand (C>T on the coding strand, the complement: PEX1 is on the minus strand). VCF-style: chr7-92517980-G-A. GRCh37 (hg19) VCF-style: chr7-92147294-G-A.
Other names: c.535C>T, p.Pro179Ser (NM_001282677.2); c.-90C>T (NM_001282678.2); c.535C>T (NM_000466.2); short protein forms P179S.
Identifiers: ClinVar variation 594489 (VCV000594489.8), dbSNP rs760387811, ClinGen allele CA4341580.

ClinVar aggregate classification (germline): Uncertain significance. Review status: criteria provided, multiple submitters, no conflicts (2 of 4 stars). 4 submissions from 4 submitters: Uncertain significance (4). Last evaluated 2026-07-02.

Conditions:
Zellweger spectrum disorders (ZS). Also called: Zellweger Spectrum Disorder; Zellweger Spectrum; Zellweger syndrome; Zellweger Spectrum Disorder (ZSD). Identifiers: Orphanet 912, MedGen C0043459, MONDO:0019609.
PEX1-related disorder. Also called: PEX1-related condition.

Allele frequency attached by ClinVar (database versions not stated): gnomAD exomes below 0.00001; TOPMed below 0.00001; ExAC 0.00001.

Submissions (4):

PreventionGenetics, part of Exact Sciences
Classification: Uncertain significance for PEX1-related condition. Last evaluated: 2026-07-02. Review status: criteria provided, single submitter. Criteria: ACMG Guidelines, 2015. Collection method: clinical testing. Allele origin: germline.
Comment: The PEX1 c.535C>T variant is predicted to result in the amino acid substitution p.Pro179Ser. To our knowledge, this variant has not been reported in the literature. This variant is reported in 0.00088% of alleles in individuals of European (Non-Finnish) descent in gnomAD. At this time, the clinical significance of this variant is uncertain due to the absence of conclusive functional and genetic evidence.

Blueprint Genetics
Classification: Uncertain significance. Last evaluated: 2024-03-05. Review status: criteria provided, single submitter. Criteria: ACMG Guidelines, 2015. Collection method: clinical testing. Allele origin: germline.

Labcorp Genetics (formerly Invitae), Labcorp
Classification: Uncertain significance for Zellweger spectrum disorders. Last evaluated: 2022-09-13. Review status: criteria provided, single submitter. Criteria: Invitae Variant Classification Sherloc (09022015). Collection method: clinical testing. Allele origin: germline.
Comment: This sequence change replaces proline, which is neutral and non-polar, with serine, which is neutral and polar, at codon 179 of the PEX1 protein (p.Pro179Ser). This variant is present in population databases (rs760387811, gnomAD 0.0009%). This variant has not been reported in the literature in individuals affected with PEX1-related conditions. ClinVar contains an entry for this variant (Variation ID: 594489). Advanced modeling of protein sequence and biophysical properties (such as structural, functional, and spatial information, amino acid conservation, physicochemical variation, residue mobility, and thermodynamic stability) performed at Invitae indicates that this missense variant is not expected to disrupt PEX1 protein function. In summary, the available evidence is currently insufficient to determine the role of this variant in disease. Therefore, it has been classified as a Variant of Uncertain Significance.

Eurofins Ntd Llc (ga)
Classification: Uncertain significance. Last evaluated: 2018-05-15. Review status: criteria provided, single submitter. Criteria: EGL ClinVar v180209 classification definitions. Collection method: clinical testing. Allele origin: germline. Observed: 2 variant alleles, 2 heterozygotes.